The following is an entry in ClinVar:

ClinVar aggregate classification (germline): Uncertain significance. Review status: criteria provided, multiple submitters, no conflicts (2 of 4 stars). 2 submissions from 2 submitters: Uncertain significance (2). Last evaluated 2025-04-30.

Conditions:
Hereditary cancer-predisposing syndrome. Also called: Hereditary Cancer Syndrome; Hereditary neoplastic syndrome; Neoplastic Syndromes, Hereditary; Tumor predisposition. Identifiers: Orphanet 140162, MedGen C0027672, MeSH D009386, MONDO:0015356.
Neuroblastoma, susceptibility to, 3. Also called: ALK-Related Neuroblastic Tumor Susceptibility. Identifiers: Orphanet 635, MedGen C2751681, MONDO:0013083, OMIM 613014.

gnomAD v4.1: 3 of 1,614,220 alleles (0.00019%); highest among the groups gnomAD compares: Non-Finnish European, 0.00025%; no homozygotes.

Submissions (2):

Labcorp Genetics (formerly Invitae), Labcorp
Classification: Uncertain significance for Neuroblastoma, susceptibility to, 3. Last evaluated: 2025-04-30. Review status: criteria provided, single submitter. Criteria: Invitae Variant Classification Sherloc (09022015). Collection method: clinical testing. Allele origin: germline.
Comment: This sequence change replaces leucine, which is neutral and non-polar, with proline, which is neutral and non-polar, at codon 1562 of the ALK protein (p.Leu1562Pro). This variant is not present in population databases (gnomAD no frequency). This variant has not been reported in the literature in individuals affected with ALK-related conditions. ClinVar contains an entry for this variant (Variation ID: 2078350). An algorithm developed to predict the effect of missense changes on protein structure and function (PolyPhen-2) suggests that this variant is likely to be disruptive. In summary, the available evidence is currently insufficient to determine the role of this variant in disease. Therefore, it has been classified as a Variant of Uncertain Significance.

Ambry Genetics
Classification: Uncertain significance for Hereditary cancer-predisposing syndrome. Last evaluated: 2025-03-15. Review status: criteria provided, single submitter. Criteria: Ambry Variant Classification Scheme 2023. Collection method: clinical testing. Allele origin: germline.
Comment: The p.L1562P variant (also known as c.4685T>C), located in coding exon 29 of the ALK gene, results from a T to C substitution at nucleotide position 4685. The leucine at codon 1562 is replaced by proline, an amino acid with similar properties. This amino acid position is conserved. In addition, this alteration is predicted to be tolerated by in silico analysis. Based on the available evidence, the clinical significance of this variant remains unclear.

NM_004304.5(ALK):c.4685T>C (p.Leu1562Pro)

Gene: ALK (ALK receptor tyrosine kinase; minus strand). Cytogenetic location: 2p23.2.
Variant type: single nucleotide variant.
Coding change: c.4685T>C on transcript NM_004304.5 (MANE Select); coding-DNA position 4685, T replaced by C.
Protein change: p.Leu1562Pro; replaces leucine 1562 with proline.
Molecular consequence: missense variant.
Genome position (GRCh38, 1-based): chr2:29,193,402, A>G on the plus strand (T>C on the coding strand, the complement: ALK is on the minus strand). VCF-style: chr2-29193402-A-G. GRCh37 (hg19) VCF-style: chr2-29416268-A-G.
Other names: c.1481T>C, p.Leu494Pro (NM_001353765.2); c.4685T>C (NM_004304.4); short protein forms L1562P, L494P.
Identifiers: ClinVar variation 2078350 (VCV002078350.5), dbSNP rs974930400, ClinGen allele CA346460460.
Genomic context (GRCh38, chr2:29,193,402, plus strand): 5'-ACATTCCCACAAGGGAAGTGACGTAGCCTGAACAGAGGTACCTCCTTCATATTGGCAGTC[A>G]GCGAAGAGGGCTCTAGGAGCAGTGAGGCCCCCGGAAGTCTCCCAGTTGCAACGTTAGGTG-3'
Protein context (NP_004295.2, residues 1552-1572): GASLLLEPSS[Leu1562Pro]TANMKEVPLF